The following is an entry in ClinVar:

NM_017636.4(TRPM4):c.773C>T (p.Ser258Leu)

Gene: TRPM4 (transient receptor potential cation channel subfamily M member 4; plus strand). Cytogenetic location: 19q13.33.
Variant type: single nucleotide variant.
Coding change: c.773C>T on transcript NM_017636.4 (MANE Select); coding-DNA position 773, C replaced by T.
Protein change: p.Ser258Leu; replaces serine 258 with leucine.
Molecular consequence: missense variant. On other transcripts: 5 prime UTR variant (2).
Genome position (GRCh38, 1-based): chr19:49,168,713, C>T. VCF-style: chr19-49168713-C-T. GRCh37 (hg19) VCF-style: chr19-49671970-C-T.
Other names: c.428C>T, p.Ser143Leu (NM_001321281.2); c.-781C>T (NM_001321282.2); c.251C>T, p.Ser84Leu (NM_001321283.2); c.-77C>T (NM_001321285.2); c.773C>T, p.Ser258Leu (NM_001195227.2); short protein forms S143L, S258L, S84L.
Identifiers: ClinVar variation 3897405 (VCV003897405.2).

ClinVar aggregate classification (germline): Uncertain significance. Review status: criteria provided, multiple submitters, no conflicts (2 of 4 stars). 2 submissions from 2 submitters: Uncertain significance (2). Last evaluated 2025-08-05.

Conditions:
Cardiovascular phenotype. Identifiers: MedGen CN230736.

Submissions (2):

Ambry Genetics
Classification: Uncertain significance for Cardiovascular phenotype. Last evaluated: 2025-08-05. Review status: criteria provided, single submitter. Criteria: Ambry Variant Classification Scheme 2023. Collection method: clinical testing. Allele origin: germline.
Comment: The p.S258L variant (also known as c.773C>T), located in coding exon 6 of the TRPM4 gene, results from a C to T substitution at nucleotide position 773. The serine at codon 258 is replaced by leucine, an amino acid with dissimilar properties. This amino acid position is poorly conserved in available vertebrate species. In addition, this alteration is predicted to be tolerated by in silico analysis. Based on the available evidence, the clinical significance of this variant remains unclear.

GeneDx
Classification: Uncertain significance. Last evaluated: 2024-10-29. Review status: criteria provided, single submitter. Criteria: GeneDx Variant Classification Process June 2021. Collection method: clinical testing. Allele origin: germline. Affected: yes.
Comment: Not observed at significant frequency in large population cohorts (gnomAD); In silico analysis supports that this missense variant has a deleterious effect on protein structure/function; Has not been previously published as pathogenic or benign to our knowledge